The following is an entry in ClinVar:

NM_001267550.2(TTN):c.39547+1G>T

Gene: TTN (titin; minus strand). Cytogenetic location: 2q31.2.
Variant type: single nucleotide variant.
Coding change: c.39547+1G>T on transcript NM_001267550.2 (MANE Select); the canonical splice donor site of the intron after coding-DNA position 39547, G replaced by T.
Molecular consequence: splice donor variant. On other transcripts: intron variant (3).
Genome position (GRCh38, 1-based): chr2:178,651,452, C>A on the plus strand (G>T on the coding strand, the complement: TTN is on the minus strand). VCF-style: chr2-178651452-C-A. GRCh37 (hg19) VCF-style: chr2-179516179-C-A.
Other names: c.13283-9135G>T (NM_003319.4); c.13859-9135G>T (NM_133437.4); c.13658-9135G>T (NM_133432.3); c.32245+1G>T (NM_133378.4); c.35026+1G>T (NM_001256850.1).
Identifiers: ClinVar variation 3750819 (VCV003750819.2).

ClinVar aggregate classification (germline): Likely pathogenic (1 of 4 stars; one submission).

Conditions:
Autosomal recessive limb-girdle muscular dystrophy type 2J (LGMDR10). Also called: Limb-girdle muscular dystrophy, type 2J; MUSCULAR DYSTROPHY, LIMB-GIRDLE, AUTOSOMAL RECESSIVE 10. Identifiers: Orphanet 140922, MedGen C1837342, MONDO:0012127, OMIM 608807.
Dilated cardiomyopathy 1G (CMD1G). Identifiers: Orphanet 154, MedGen C1858763, MONDO:0011400, OMIM 604145.

Submission:

Labcorp Genetics (formerly Invitae), Labcorp
Classification: Likely pathogenic for Dilated cardiomyopathy 1G; Autosomal recessive limb-girdle muscular dystrophy type 2J. Last evaluated: 2024-06-04. Review status: criteria provided, single submitter. Criteria: Invitae Variant Classification Sherloc (09022015). Collection method: clinical testing. Allele origin: germline.
Comment: This sequence change affects a donor splice site in intron 207 of the TTN gene. It is expected to disrupt RNA splicing and likely results in a truncated or disrupted TTN protein. This variant is not present in population databases (gnomAD no frequency). This variant has not been reported in the literature in individuals affected with TTN-related conditions. Algorithms developed to predict the effect of sequence changes on RNA splicing suggest that this variant may disrupt the consensus splice site. This variant is located in the I band of TTN (PMID: 25589632). Truncating variants in this region have been reported in individuals affected with autosomal recessive centronuclear myopathy (PMID: 23975875, Invitae internal data). Truncating variants in this region have also been identified in individuals affected with autosomal dominant dilated cardiomyopathy and/or cardio-related conditions (PMID: 27869827, 32964742, Invitae internal data). In summary, the currently available evidence indicates that the variant is pathogenic, but additional data are needed to prove that conclusively. Therefore, this variant has been classified as Likely Pathogenic.

Literature cited by the submitters: PubMed 25589632; PubMed 23975875; PubMed 27869827; PubMed 32964742.